The following is an entry in ClinVar:

ClinVar aggregate classification (germline): Uncertain significance (1 of 4 stars; one submission).

Conditions:
Inborn genetic diseases. Identifiers: MedGen C0950123, MeSH D030342.

Submission:

Ambry Genetics
Classification: Uncertain significance for Inborn genetic diseases. Last evaluated: 2021-04-20. Review status: criteria provided, single submitter. Criteria: Ambry Variant Classification Scheme 2023. Collection method: clinical testing. Allele origin: germline.
Comment: The c.710T>A (p.V237D) alteration is located in exon 10 (coding exon 9) of the KATNB1 gene. This alteration results from a T to A substitution at nucleotide position 710, causing the valine (V) at amino acid position 237 to be replaced by an aspartic acid (D). The in silico prediction for the p.V237D alteration is inconclusive. Based on insufficient or conflicting evidence, the clinical significance of this alteration remains unclear.

NM_005886.3(KATNB1):c.710T>A (p.Val237Asp)

Gene: KATNB1 (katanin regulatory subunit B1; plus strand). Cytogenetic location: 16q21.
Variant type: single nucleotide variant.
Coding change: c.710T>A on transcript NM_005886.3 (MANE Select); coding-DNA position 710, T replaced by A.
Protein change: p.Val237Asp; replaces valine 237 with aspartic acid.
Molecular consequence: missense variant.
Genome position (GRCh38, 1-based): chr16:57,752,783, T>A. VCF-style: chr16-57752783-T-A. GRCh37 (hg19) VCF-style: chr16-57786695-T-A.
Other names: short protein forms V237D.
Identifiers: ClinVar variation 2230339 (VCV002230339.2), dbSNP rs2506914289, ClinGen allele CA396069146.